The following is an entry in ClinVar:

ClinVar aggregate classification (germline): Pathogenic. Review status: criteria provided, multiple submitters, no conflicts (2 of 4 stars). 5 submissions from 4 submitters: Pathogenic (5). Last evaluated 2026-01-07.

Conditions:
Hereditary cancer-predisposing syndrome. Also called: Neoplastic Syndromes, Hereditary; Hereditary Cancer Syndrome; Hereditary neoplastic syndrome; Tumor predisposition. Identifiers: Orphanet 140162, MedGen C0027672, MeSH D009386, MONDO:0015356.
Birt-Hogg-Dube syndrome. Also called: Birt Hogg Dubé syndrome. Identifiers: Orphanet 122, MedGen C0346010, MONDO:0800444.
Birt-Hogg-Dube syndrome 1 (BHD1). Also called: FIBROFOLLICULOMAS WITH TRICHODISCOMAS AND ACROCHORDONS. Identifiers: Orphanet 122, MedGen CN375946, MONDO:0800445, OMIM 135150.

Allele frequency attached by ClinVar (database versions not stated): gnomAD 0.00001.

Submissions (5):

Labcorp Genetics (formerly Invitae), Labcorp
Classification: Pathogenic for Birt-Hogg-Dube syndrome. Last evaluated: 2026-01-07. Review status: criteria provided, single submitter. Criteria: Invitae Variant Classification Sherloc (09022015). Collection method: clinical testing. Allele origin: germline.
Comment: This sequence change creates a premature translational stop signal (p.Arg164Glyfs*13) in the FLCN gene. It is expected to result in an absent or disrupted protein product. Loss-of-function variants in FLCN are known to be pathogenic (PMID: 15852235). This variant is present in population databases (no rsID available, gnomAD 0.007%). This premature translational stop signal has been observed in individual(s) with Birt-Hogg-Dube syndrome (PMID: 34229741). ClinVar contains an entry for this variant (Variation ID: 825282). For these reasons, this variant has been classified as Pathogenic.

Clinical Genetics and Genomics, Karolinska University Hospital
Classification: Pathogenic for Birt-Hogg-Dube syndrome 1. Last evaluated: 2025-10-15. Review status: criteria provided, single submitter. Criteria: ACMG Guidelines, 2015. Collection method: clinical testing. Allele origin: germline. Inheritance: Autosomal dominant inheritance. Affected: yes.

Institute of Human Genetics, University of Leipzig Medical Center
Classification: Pathogenic for Birt-Hogg-Dube syndrome 1. Last evaluated: 2024-02-07. Review status: criteria provided, single submitter. Criteria: ACMG Guidelines, 2015. Collection method: clinical testing. Allele origin: maternal. Inheritance: Autosomal dominant inheritance. Affected: yes.
Comment: Criteria applied: PVS1,PS4_SUP,PM2_SUP

Ambry Genetics
Classification: Pathogenic for Hereditary cancer-predisposing syndrome. Last evaluated: 2022-10-24. Review status: criteria provided, single submitter. Criteria: Ambry Variant Classification Scheme 2023. Collection method: clinical testing. Allele origin: germline.
Comment: The c.490delA pathogenic mutation, located in coding exon 3 of the FLCN gene, results from a deletion of one nucleotide at nucleotide position 490, causing a translational frameshift with a predicted alternate stop codon (p.R164Gfs*13). This alteration is expected to result in loss of function by premature protein truncation or nonsense-mediated mRNA decay. As such, this alteration is interpreted as a disease-causing mutation.

Institute of Human Genetics, University of Leipzig Medical Center
Classification: Pathogenic for Birt-Hogg-Dube syndrome 1. Last evaluated: 2022-06-07. Review status: criteria provided, single submitter. Criteria: ACMG Guidelines, 2015. Collection method: clinical testing. Allele origin: unknown. Affected: yes.
Comment: _x000D_ Criteria applied: PVS1, PS4_MOD, PM2_SUP

Literature cited by the submitters: PubMed 15852235 (cited by Labcorp Genetics (formerly Invitae), Labcorp); PubMed 34229741 (cited by Labcorp Genetics (formerly Invitae), Labcorp).

NM_144997.7(FLCN):c.490del (p.Arg164fs)

Gene: FLCN (folliculin; minus strand). Cytogenetic location: 17p11.2.
Variant type: Deletion.
Coding change: c.490del on transcript NM_144997.7 (MANE Select); coding-DNA position 490, one base deleted (A; older notation c.490delA).
Protein change: p.Arg164fs; shifts the reading frame from arginine 164.
Molecular consequence: frameshift variant.
Genome position (GRCh38, 1-based): chr17:17,224,050, T deleted on the plus strand (A on the coding strand, the reverse complement: FLCN is on the minus strand). VCF-style (leftmost placement, unchanged base first): chr17-17224049-CT-C. GRCh37 (hg19) VCF-style: chr17-17127363-CT-C.
Other names: c.544del, p.Arg182fs (NM_001353229.2); c.490del, p.Arg164fs (NM_001353230.2, NM_001353231.2, NM_144606.7); short protein forms R164fs, R182fs.
Identifiers: ClinVar variation 825282 (VCV000825282.11), dbSNP rs1414696397, ClinGen allele CA625015241.
Genomic context (GRCh38, chr17:17,224,049, plus strand): 5'-TTGATGAGGTAGATCCGGTCCATCATGATGGTGATGATGCTGTACCAGCGCTGGAAGCCC[CT>C]GGCCAGGCTGTCCTTGATGAAGAAGGTGTGGCTGAACACAAAGCCGTGCTGCTCATCTCC-3'